The following is an entry in ClinVar:

ClinVar aggregate classification (germline): Likely benign (1 of 4 stars; one submission).

Conditions:
LZTFL1-related disorder. Also called: LZTFL1-related condition.

gnomAD v4.1: 5 of 1,611,598 alleles (0.00031%); highest among the groups gnomAD compares: East Asian, 0.0022%; no homozygotes.

Submission:

PreventionGenetics, part of Exact Sciences
Classification: Likely benign for LZTFL1-related condition. Last evaluated: 2025-02-26. Review status: criteria provided, single submitter. Criteria: ACMG Guidelines, 2015. Collection method: clinical testing. Allele origin: germline.
Comment: This variant is classified as likely benign based on ACMG/AMP sequence variant interpretation guidelines (Richards et al. 2015 PMID: 25741868, with internal and published modifications).

NM_020347.4(LZTFL1):c.3+8A>G

Gene: LZTFL1 (leucine zipper transcription factor like 1; minus strand). Cytogenetic location: 3p21.31.
Variant type: single nucleotide variant.
Coding change: c.3+8A>G on transcript NM_020347.4 (MANE Select); 8 bases into the intron after coding-DNA position 3, A replaced by G.
Molecular consequence: intron variant. On other transcripts: 5 prime UTR variant (1).
Genome position (GRCh38, 1-based): chr3:45,841,981, T>C on the plus strand (A>G on the coding strand, the complement: LZTFL1 is on the minus strand). VCF-style: chr3-45841981-T-C. GRCh37 (hg19) VCF-style: chr3-45883473-T-C.
Other names: c.-335A>G (NM_001405922.1); c.28-3930A>G (NM_001405925.1, NM_001405920.1); c.117-6197A>G (NM_001276379.2, NM_001405921.1); c.-48-3930A>G (NM_001405927.1, NM_001276378.2, NM_001405926.1 and 1 more transcripts); c.-45+8A>G (NM_001405928.1, NM_001386451.1); c.3+8A>G (NM_001405924.1, NM_001386452.1).
Identifiers: ClinVar variation 4979076 (VCV004979076.1).